The following is an entry in ClinVar:

ClinVar aggregate classification (germline): Likely pathogenic (1 of 4 stars; one submission).

Submission:

GeneDx
Classification: Likely pathogenic. Last evaluated: 2018-07-06. Review status: criteria provided, single submitter. Criteria: GeneDx Variant Classification (06012015). Collection method: clinical testing. Allele origin: germline. Affected: yes.
Comment: The c.135_145del11 variant in the CNNM2 gene has not been reported previously as a pathogenic variant nor as a benign variant, to our knowledge. The c.135_145del11 variant causes a frameshift starting with codon Glycine 46, changes this amino acid to an Alanine residue, and creates a premature Stop codon at position 21 of the new reading frame, denoted p.Gly46AlafsX21. This variant is predicted to cause loss of normal protein function either through protein truncation or nonsense-mediated mRNA decay. The c.135_145del11 variant is not observed in large population cohorts (Lek et al., 2016). We interpret c.135_145del11 as a likely pathogenic variant.

NM_017649.5(CNNM2):c.135_145del (p.Gly46fs)

Gene: CNNM2 (cyclin and CBS domain divalent metal cation transport mediator 2; plus strand). Cytogenetic location: 10q24.32.
Variant type: Deletion.
Coding change: c.135_145del on transcript NM_017649.5 (MANE Select); coding-DNA positions 135 to 145, 11 bases deleted (GGGGCGGCTGC).
Protein change: p.Gly46fs; shifts the reading frame from glycine 46.
Molecular consequence: frameshift variant.
Genome position (GRCh38, 1-based): chr10:102,918,615-102,918,625, GGGGCGGCTGC deleted; deleting any 11 consecutive bases within chr10:102,918,606-102,918,625 gives the same sequence; the c. name uses the placement nearest the transcript's 3' end. VCF-style (leftmost placement, unchanged base first): chr10-102918605-AGGCGGCTGCGG-A. GRCh37 (hg19) VCF-style: chr10-104678362-AGGCGGCTGCGG-A.
Other names: c.135_145del, p.Gly46fs (NM_199076.3, NM_199077.3); short protein forms G46fs.
Identifiers: ClinVar variation 817123 (VCV000817123.1), dbSNP rs1590243044, ClinGen allele CA915947590.
Genomic context (GRCh38, chr10:102,918,605, plus strand): 5'-TGCCCACTTGGAAGATGGCGGCGCGCCGCAGCCTCAGCGCTCGCGGCCGGGGGATCCTGC[AGGCGGCTGCGG>A]GGCGGCTGCTGCCGCTGCTCCTGCTGAGCTGCTGCTGCGGTGCGGGCGGCTGCGCAGCGG-3'